The following is an entry in ClinVar:

NM_001080467.3(MYO5B):c.2623A>G (p.Met875Val)

Gene: MYO5B (myosin VB; minus strand). Cytogenetic location: 18q21.1.
Variant type: single nucleotide variant.
Coding change: c.2623A>G on transcript NM_001080467.3 (MANE Select); coding-DNA position 2623, A replaced by G.
Protein change: p.Met875Val; replaces methionine 875 with valine.
Molecular consequence: missense variant.
Genome position (GRCh38, 1-based): chr18:49,902,782, T>C on the plus strand (A>G on the coding strand, the complement: MYO5B is on the minus strand). VCF-style: chr18-49902782-T-C. GRCh37 (hg19) VCF-style: chr18-47429152-T-C.
Other names: short protein forms M875V.
Identifiers: ClinVar variation 1442134 (VCV001442134.6), dbSNP rs769234974, ClinGen allele CA8960990.

ClinVar aggregate classification (germline): Uncertain significance (1 of 4 stars; one submission).

Allele frequency attached by ClinVar (database versions not stated): ExAC 0.00001; gnomAD 0.00001; gnomAD exomes 0.00001 and 0.00002; TOPMed 0.00001.
gnomAD v4.1: 22 of 1,603,894 alleles (0.0014%); highest among the groups gnomAD compares: Non-Finnish European, 0.0015%; no homozygotes.

Submission:

Labcorp Genetics (formerly Invitae), Labcorp
Classification: Uncertain significance. Last evaluated: 2021-10-12. Review status: criteria provided, single submitter. Criteria: Invitae Variant Classification Sherloc (09022015). Collection method: clinical testing. Allele origin: germline.
Comment: This variant is present in population databases (rs769234974, ExAC 0.002%). In summary, the available evidence is currently insufficient to determine the role of this variant in disease. Therefore, it has been classified as a Variant of Uncertain Significance. Algorithms developed to predict the effect of missense changes on protein structure and function output the following: SIFT: "Tolerated"; PolyPhen-2: "Benign"; Align-GVGD: "Class C0". The valine amino acid residue is found in multiple mammalian species, which suggests that this missense change does not adversely affect protein function. This variant has not been reported in the literature in individuals affected with MYO5B-related conditions. This sequence change replaces methionine with valine at codon 875 of the MYO5B protein (p.Met875Val). The methionine residue is moderately conserved and there is a small physicochemical difference between methionine and valine.